The following is an entry in ClinVar:

NM_001384474.1(LOXHD1):c.4790G>A (p.Trp1597Ter)

Gene: LOXHD1 (lipoxygenase homology PLAT domains 1; minus strand). Cytogenetic location: 18q21.1.
Variant type: single nucleotide variant.
Coding change: c.4790G>A on transcript NM_001384474.1 (MANE Select); coding-DNA position 4790, G replaced by A.
Protein change: p.Trp1597Ter; replaces tryptophan 1597 with a stop codon.
Molecular consequence: nonsense.
Genome position (GRCh38, 1-based): chr18:46,524,552, C>T on the plus strand (G>A on the coding strand, the complement: LOXHD1 is on the minus strand). VCF-style: chr18-46524552-C-T. GRCh37 (hg19) VCF-style: chr18-44104515-C-T.
Other names: c.1457G>A, p.Trp486Ter (NM_001145472.3); c.1169G>A, p.Trp390Ter (NM_001308013.2); c.4790G>A, p.Trp1597Ter (NM_144612.7); short protein forms W1597*, W390*, W486*.
Identifiers: ClinVar variation 5013653 (VCV005013653.1).

ClinVar aggregate classification (germline): Pathogenic (1 of 4 stars; one submission).

Conditions:
Autosomal recessive nonsyndromic hearing loss 77. Identifiers: Orphanet 90636, MedGen C2746083, MONDO:0013119, OMIM 613079.

Submission:

Myriad Genetics, Inc.
Classification: Pathogenic for Autosomal recessive nonsyndromic hearing loss 77. Last evaluated: 2024-03-20. Review status: criteria provided, single submitter. Criteria: Myriad Autosomal Dominant, Autosomal Recessive and X-Linked Classification Criteria (2023). Collection method: clinical testing. Allele origin: unknown.
Comment: NM_144612.6(LOXHD1):c.4790G>A(W1597*) is expected to be pathogenic in the context of nonsyndromic hearing loss, LOXHD1-related. This variant is predicted to lead to an abnormal or absent protein product due to the creation of a premature termination codon in LOXHD1, a gene where loss-of-function variants are known to be pathogenic. Please note: this variant was assessed in the context of healthy population screening.